The following is an entry in ClinVar:

ClinVar aggregate classification (germline): Likely pathogenic (1 of 4 stars; one submission).

Conditions:
Usher syndrome type 2A. Also called: RETINAL DISEASE IN USHER SYNDROME TYPE IIA, MODIFIER OF; USHER SYNDROME, TYPE IIA. Identifiers: Orphanet 231178, Orphanet 886, MedGen C1848634, MONDO:0010169, OMIM 276901.

Submission:

Myriad Genetics, Inc.
Classification: Likely pathogenic for Usher syndrome type 2A. Last evaluated: 2022-03-05. Review status: criteria provided, single submitter. Criteria: Myriad Women's Health Autosomal Recessive and X-Linked Classification Criteria (2021). Collection method: clinical testing. Allele origin: unknown.
Comment: NM_206933.2(USH2A):c.9607G>T(G3203*) is expected to be pathogenic in the context of USH2A-related disorders. This variant is predicted to lead to an abnormal or absent protein product due to the creation of a premature termination codon in USH2A, a gene where loss-of-function variants are known to be pathogenic. Please note: this variant was assessed in the context of healthy population screening.

NM_206933.4(USH2A):c.9607G>T (p.Gly3203Ter)

Gene: USH2A (usherin; minus strand). Cytogenetic location: 1q41.
Variant type: single nucleotide variant.
Coding change: c.9607G>T on transcript NM_206933.4 (MANE Select); coding-DNA position 9607, G replaced by T.
Protein change: p.Gly3203Ter; replaces glycine 3203 with a stop codon.
Molecular consequence: nonsense.
Genome position (GRCh38, 1-based): chr1:215,813,868, C>A on the plus strand (G>T on the coding strand, the complement: USH2A is on the minus strand). VCF-style: chr1-215813868-C-A. GRCh37 (hg19) VCF-style: chr1-215987210-C-A.
Other names: short protein forms G3203*.
Identifiers: ClinVar variation 1725042 (VCV001725042.2), dbSNP rs2464509726, ClinGen allele CA344822151.
Genomic context (GRCh38, chr1:215,813,868, plus strand): 5'-AACAAACTCCAGTAGAATTCAGAACAAACGGGATATACTTTTCTTCACAACAGCGATGTC[C>A]AGGCTTGGGGTTATAGAGCACTCCGTTACAACAAACCTGAAAGTTTGAAAACAGTTTTAA-3'